The following is an entry in ClinVar:

NM_000135.4(FANCA):c.145C>T (p.Arg49Cys)

Gene: FANCA (FA complementation group A; minus strand). Cytogenetic location: 16q24.3.
Variant type: single nucleotide variant.
Coding change: c.145C>T on transcript NM_000135.4 (MANE Select); coding-DNA position 145, C replaced by T.
Protein change: p.Arg49Cys; replaces arginine 49 with cysteine.
Molecular consequence: missense variant.
Genome position (GRCh38, 1-based): chr16:89,815,921, G>A on the plus strand (C>T on the coding strand, the complement: FANCA is on the minus strand). VCF-style: chr16-89815921-G-A. GRCh37 (hg19) VCF-style: chr16-89882329-G-A.
Other names: c.145C>T, p.Arg49Cys (NM_001018112.3, NM_001286167.3, NM_001351830.2); short protein forms R49C.
Identifiers: ClinVar variation 4022226 (VCV004022226.1).

ClinVar aggregate classification (germline): Uncertain significance (1 of 4 stars; one submission).

Conditions:
Inborn genetic diseases. Identifiers: MedGen C0950123, MeSH D030342.

gnomAD v4.1: 3 of 1,614,088 alleles (0.00019%); highest among the groups gnomAD compares: Non-Finnish European, 0.00025%; no homozygotes.

Submission:

Ambry Genetics
Classification: Uncertain significance for Inborn genetic diseases. Last evaluated: 2025-05-01. Review status: criteria provided, single submitter. Criteria: Ambry Variant Classification Scheme 2023. Collection method: clinical testing. Allele origin: germline.
Comment: The p.R49C variant (also known as c.145C>T), located in coding exon 2 of the FANCA gene, results from a C to T substitution at nucleotide position 145. The arginine at codon 49 is replaced by cysteine, an amino acid with highly dissimilar properties. This amino acid position is conserved. In addition, this alteration is predicted to be tolerated by in silico analysis. Based on the available evidence, the clinical significance of this variant remains unclear.